The following is an entry in ClinVar:

ClinVar aggregate classification (germline): Conflicting classifications of pathogenicity. Review status: criteria provided, conflicting classifications (1 of 4 stars). 3 submissions from 3 submitters: Likely pathogenic (1); Uncertain significance (2). Last evaluated 2024-10-10.

Conditions:
Pulmonary hypertension, primary, 1 (PPH1). Also called: Pulmonary hypertension, familial primary, 1, with or without HHT. Identifiers: Orphanet 422, MedGen C4552070, MONDO:0024533, OMIM 178600.
Coxopodopatellar syndrome. Also called: Small patella syndrome; ISCHIOCOXOPODOPATELLAR SYNDROME; PATELLA APLASIA, COXA VARA, AND TARSAL SYNOSTOSIS; ISCHIOCOXOPODOPATELLAR SYNDROME WITH OR WITHOUT PULMONARY ARTERIAL HYPERTENSION; Congenital coxa vara, patella aplasia and tarsal synostosis; ISCHIOPATELLAR DYSPLASIA. Identifiers: Orphanet 1509, MedGen C1840061, MONDO:0007841, OMIM 147891.

Submissions (3):

Victorian Clinical Genetics Services, Murdoch Childrens Research Institute
Classification: Likely pathogenic for Coxopodopatellar syndrome. Last evaluated: 2024-10-10. Review status: criteria provided, single submitter. Criteria: ACMG Guidelines, 2015. Collection method: clinical testing. Allele origin: germline. Inheritance: Autosomal dominant inheritance. Affected: yes.
Comment: Based on the classification scheme VCGS_Germline_v1.3.5, this variant is classified as Likely pathogenic. Following criteria are met: 0102 - Loss of function is a known mechanism of disease in this gene and is associated with ischiocoxopodopatellar syndrome with or without pulmonary arterial hypertension (MIM#147891) and amelia, posterior, with pelvic and pulmonary hypoplasia syndrome (MIM#60136). (I) 0108 - This gene is associated with both recessive and dominant disease. Homozygous variants cause a severe phenotype observed in fetuses, these variants were inherited from affected parents (OMIM). (I) 0115 - Variants in this gene are known to have variable expressivity. A variable phenotype has been seen within families where individuals may be asymptomatic for pulmonary arterial hypertension but symptomatic for the associated skeletal anomalies and vice versa (PMID: 36085161). (I) 0200 - Variant is predicted to result in a missense amino acid change from proline to arginine. (I) 0251 - This variant is heterozygous. (I) 0301 - Variant is absent from gnomAD (v2, v3 and v4). (SP) 0501 - Missense variant consistently predicted to be damaging by multiple in silico tools or highly conserved with a major amino acid change. (SP) 0600 - Variant is located in the annotated T-box domain (DECIPHER). (I) 0703 - Other missense variants comparable to the one identified in this case have moderate previous evidence for pathogenicity. p.(Pro98Arg) has been reported once as likely pathogenic in an individual with congenital heart disease, this variant was identified as de novo in this individual (PMID: 30029678). (SP) 0808 - Previous reports of pathogenicity for this variant are conflicting. This variant has been identified in an individual with pulmonary arterial hypertension and classified as a VUS (PMID: 29631995) and has also been reported in a mother and daughter where they shared skeletal anomalies, while only the daughter had pulmonary arterial hypertension (PMID: 36085161). (I) 0902 - This variant has moderate evidence for segregation with disease. This variant has been demonstrated to segregate with disease in two families (PMID: 36085161, VCGS internal cases). (SP) 1007 - No published functional evidence has been identified for this variant. (I) Legend: (SP) - Supporting pathogenic, (I) - Information, (SB) - Supporting benign

Randwick Genomics Laboratory, Prince of Wales Hospital Sydney, Australia, New South Wales Health Pathology
Classification: Uncertain significance for Coxopodopatellar syndrome. Last evaluated: 2021-08-03. Review status: criteria provided, single submitter. Criteria: ACMG Guidelines, 2015. Collection method: clinical testing. Allele origin: maternal. Inheritance: Autosomal dominant inheritance. Affected: yes. Observed: 1 variant allele, 1 heterozygote.

Wendy Chung Laboratory, Boston Children's Hospital
Classification: Uncertain significance for Pulmonary hypertension, primary, 1. Last evaluated: 2018-04-01. Review status: criteria provided, single submitter. Criteria: ACMG Guidelines, 2015. Collection method: research. Allele origin: maternal. Inheritance: Autosomal dominant inheritance. Affected: yes.

Literature cited by the submitters: PubMed 29631995 (cited by Victorian Clinical Genetics Services, Murdoch Childrens Research Institute and Wendy Chung Laboratory, Boston Children's Hospital); PubMed 30029678 (cited by Victorian Clinical Genetics Services, Murdoch Childrens Research Institute); PubMed 31727138 (cited by Victorian Clinical Genetics Services, Murdoch Childrens Research Institute); PubMed 36085161 (cited by Victorian Clinical Genetics Services, Murdoch Childrens Research Institute).

NM_001321120.2(TBX4):c.292C>G (p.Pro98Ala)

Gene: TBX4 (T-box transcription factor 4; plus strand). Cytogenetic location: 17q23.2.
Variant type: single nucleotide variant.
Coding change: c.292C>G on transcript NM_001321120.2 (MANE Select); coding-DNA position 292, C replaced by G.
Protein change: p.Pro98Ala; replaces proline 98 with alanine.
Molecular consequence: missense variant.
Genome position (GRCh38, 1-based): chr17:61,465,829, C>G. VCF-style: chr17-61465829-C-G. GRCh37 (hg19) VCF-style: chr17-59543190-C-G.
Other names: c.292C>G, p.Pro98Ala (NM_018488.3); short protein forms P98A.
Identifiers: ClinVar variation 1185696 (VCV001185696.6), dbSNP rs2143820895, ClinGen allele CA400470970.